The following is an entry in ClinVar:

ClinVar aggregate classification (germline): Uncertain significance (1 of 4 stars; one submission).

Conditions:
Familial cancer of breast. Also called: hereditary breast carcinoma; Hereditary breast cancer; BREAST CANCER, FAMILIAL. Identifiers: Orphanet 227535, MedGen C0346153, MONDO:0016419, OMIM 114480. Disease mechanism: loss of function.

Submission:

Labcorp Genetics (formerly Invitae), Labcorp
Classification: Uncertain significance for Familial cancer of breast. Last evaluated: 2024-10-12. Review status: criteria provided, single submitter. Criteria: Invitae Variant Classification Sherloc (09022015). Collection method: clinical testing. Allele origin: germline.
Comment: This sequence change replaces alanine, which is neutral and non-polar, with threonine, which is neutral and polar, at codon 25 of the BARD1 protein (p.Ala25Thr). This variant is not present in population databases (gnomAD no frequency). This variant has not been reported in the literature in individuals affected with BARD1-related conditions. ClinVar contains an entry for this variant (Variation ID: 844779). An algorithm developed to predict the effect of missense changes on protein structure and function outputs the following: PolyPhen-2: "Benign". The threonine amino acid residue is found in multiple mammalian species, which suggests that this missense change does not adversely affect protein function. In summary, the available evidence is currently insufficient to determine the role of this variant in disease. Therefore, it has been classified as a Variant of Uncertain Significance.

NM_000465.4(BARD1):c.73G>A (p.Ala25Thr)

Gene: BARD1 (BRCA1 associated RING domain 1; minus strand). Cytogenetic location: 2q35.
Variant type: single nucleotide variant.
Coding change: c.73G>A on transcript NM_000465.4 (MANE Select); coding-DNA position 73, G replaced by A.
Protein change: p.Ala25Thr; replaces alanine 25 with threonine.
Molecular consequence: missense variant. On other transcripts: non-coding transcript variant (3).
Genome position (GRCh38, 1-based): chr2:214,809,497, C>T on the plus strand (G>A on the coding strand, the complement: BARD1 is on the minus strand). VCF-style: chr2-214809497-C-T. GRCh37 (hg19) VCF-style: chr2-215674221-C-T.
Other names: c.73G>A, p.Ala25Thr (NM_001282543.2, NM_001282545.2, NM_001282548.2 and 1 more transcripts); short protein forms A25T.
Identifiers: ClinVar variation 844779 (VCV000844779.10), dbSNP rs751646468, ClinGen allele CA350465158.